The following is an entry in ClinVar:

NM_001101.5(ACTB):c.364-3C>G

Gene: ACTB (actin beta; minus strand). Cytogenetic location: 7p22.1.
Variant type: single nucleotide variant.
Coding change: c.364-3C>G on transcript NM_001101.5 (MANE Select); 3 bases into the intron before coding-DNA position 364, C replaced by G.
Molecular consequence: intron variant.
Genome position (GRCh38, 1-based): chr7:5,528,722, G>C on the plus strand (C>G on the coding strand, the complement: ACTB is on the minus strand). VCF-style: chr7-5528722-G-C. GRCh37 (hg19) VCF-style: chr7-5568353-G-C.
Identifiers: ClinVar variation 1701517 (VCV001701517.31), dbSNP rs1562719316, ClinGen allele CA2580076748.

ClinVar aggregate classification (germline): Likely pathogenic (1 of 4 stars; one submission).

Submission:

CeGaT Center for Human Genetics Tuebingen
Classification: Likely pathogenic. Last evaluated: 2022-07-01. Review status: criteria provided, single submitter. Criteria: CeGaT Center For Human Genetics Tuebingen Variant Classification Criteria Version 2. Collection method: clinical testing. Allele origin: germline. Affected: yes. Observed: 1 variant allele.
Comment: ACTB: PS2, PM2, PP3